The following is an entry in ClinVar:

NM_001134407.3(GRIN2A):c.1663G>A (p.Ala555Thr)

Gene: GRIN2A (glutamate ionotropic receptor NMDA type subunit 2A; minus strand). Cytogenetic location: 16p13.2.
Variant type: single nucleotide variant.
Coding change: c.1663G>A on transcript NM_001134407.3 (MANE Select); coding-DNA position 1663, G replaced by A.
Protein change: p.Ala555Thr; replaces alanine 555 with threonine.
Molecular consequence: missense variant.
Genome position (GRCh38, 1-based): chr16:9,834,219, C>T on the plus strand (G>A on the coding strand, the complement: GRIN2A is on the minus strand). VCF-style: chr16-9834219-C-T. GRCh37 (hg19) VCF-style: chr16-9928076-C-T.
Other names: c.1663G>A, p.Ala555Thr (NM_000833.5, NM_001134408.2); short protein forms A555T.
Identifiers: ClinVar variation 4707203 (VCV004707203.1).
Genomic context (GRCh38, chr16:9,834,219, plus strand): 5'-CAAAAACAGCTATGGCAGAAACAATGAGCAGCATCACAAACATCATCACCCAGACAGAGG[C>T]GCTGAATGGTTCTGCAAATAAACAGATAAAGGAATGGAAACGTGGTTAGTTATCTCTTCC-3'
Protein context (NP_001127879.1, residues 545-565): SPSAFLEPFS[Ala555Thr]SVWVMMFVML

ClinVar aggregate classification (germline): Uncertain significance (1 of 4 stars; one submission).

Conditions:
Landau-Kleffner syndrome (FESD). Also called: EPILEPSY, FOCAL, WITH SPEECH DISORDER AND WITH OR WITHOUT MENTAL RETARDATION; APHASIA, ACQUIRED, WITH EPILEPSY. Identifiers: Orphanet 1945, Orphanet 725, Orphanet 98818, MedGen C0282512, MONDO:0009509, OMIM 245570.

Submission:

Labcorp Genetics (formerly Invitae), Labcorp
Classification: Uncertain significance for Landau-Kleffner syndrome. Last evaluated: 2025-11-06. Review status: criteria provided, single submitter. Criteria: Invitae Variant Classification Sherloc (09022015). Collection method: clinical testing. Allele origin: germline.
Comment: This sequence change replaces alanine, which is neutral and non-polar, with threonine, which is neutral and polar, at codon 555 of the GRIN2A protein (p.Ala555Thr). This variant is not present in population databases (gnomAD no frequency). This variant has not been reported in the literature in individuals affected with GRIN2A-related conditions. Invitae Evidence Modeling of protein sequence and biophysical properties (such as structural, functional, and spatial information, amino acid conservation, physicochemical variation, residue mobility, and thermodynamic stability) indicates that this missense variant is not expected to disrupt GRIN2A protein function with a negative predictive value of 95%. In summary, the available evidence is currently insufficient to determine the role of this variant in disease. Therefore, it has been classified as a Variant of Uncertain Significance.